The following is an entry in ClinVar:

NM_001349253.2(SCN11A):c.794_797dup (p.Ile266fs)

Gene: SCN11A (sodium voltage-gated channel alpha subunit 11; minus strand). Cytogenetic location: 3p22.2.
Variant type: Duplication.
Coding change: c.794_797dup on transcript NM_001349253.2 (MANE Select); coding-DNA positions 794 to 797, 4 bases duplicated (GCAT; older notation c.794_797dupGCAT).
Protein change: p.Ile266fs; shifts the reading frame from isoleucine 266.
Molecular consequence: frameshift variant.
Genome position (GRCh38, 1-based): chr3:38,921,171-38,921,174, ATGC duplicated on the plus strand (GCAT on the coding strand, the reverse complement: SCN11A is on the minus strand). VCF-style (leftmost placement, unchanged base first): chr3-38921170-G-GATGC. GRCh37 (hg19) VCF-style: chr3-38962661-G-GATGC.
Other names: c.794_797dup, p.Ile266fs (NM_014139.3); short protein forms I266fs.
Identifiers: ClinVar variation 1442971 (VCV001442971.6), dbSNP rs2125548578, ClinGen allele CA2569513121.

ClinVar aggregate classification (germline): Uncertain significance (1 of 4 stars; one submission).

Conditions:
Hereditary sensory and autonomic neuropathy type 7. Also called: HSAN VII; Neuropathy, hereditary sensory and autonomic, type VII. Identifiers: Orphanet 391397, MedGen C3809882, MONDO:0014244, OMIM 615548.
Familial episodic pain syndrome with predominantly lower limb involvement. Also called: Episodic pain syndrome, familial, 3. Identifiers: Orphanet 391384, Orphanet 391392, MedGen C3809899, MONDO:0014247, OMIM 615552.

Submission:

Labcorp Genetics (formerly Invitae), Labcorp
Classification: Uncertain significance for Familial episodic pain syndrome with predominantly lower limb involvement; Hereditary sensory and autonomic neuropathy type 7. Last evaluated: 2021-12-20. Review status: criteria provided, single submitter. Criteria: Invitae Variant Classification Sherloc (09022015). Collection method: clinical testing. Allele origin: germline.
Comment: This variant is not present in population databases (gnomAD no frequency). In summary, the available evidence is currently insufficient to determine the role of this variant in disease. Therefore, it has been classified as a Variant of Uncertain Significance. This variant has not been reported in the literature in individuals affected with SCN11A-related conditions. This sequence change creates a premature translational stop signal (p.Ile266Metfs*25) in the SCN11A gene. It is expected to result in an absent or disrupted protein product. However, the current clinical and genetic evidence is not sufficient to establish whether loss-of-function variants in SCN11A cause disease.